The following is an entry in ClinVar:

NM_000038.6(APC):c.5254C>G (p.Gln1752Glu)

Gene: APC (APC regulator of Wnt signaling pathway; plus strand). Cytogenetic location: 5q22.2.
Variant type: single nucleotide variant.
Coding change: c.5254C>G on transcript NM_000038.6 (MANE Select); coding-DNA position 5254, C replaced by G.
Protein change: p.Gln1752Glu; replaces glutamine 1752 with glutamic acid.
Molecular consequence: missense variant.
Genome position (GRCh38, 1-based): chr5:112,840,848, C>G. VCF-style: chr5-112840848-C-G. GRCh37 (hg19) VCF-style: chr5-112176545-C-G.
Other names: c.5254C>G, p.Gln1752Glu (NM_001127510.3, NM_001354895.2); c.5200C>G, p.Gln1734Glu (NM_001127511.3); c.5308C>G, p.Gln1770Glu (NM_001354896.2); c.5284C>G, p.Gln1762Glu (NM_001354897.2); c.5179C>G, p.Gln1727Glu (NM_001354898.2); c.5170C>G, p.Gln1724Glu (NM_001354899.2); c.5131C>G, p.Gln1711Glu (NM_001354900.2); c.5077C>G, p.Gln1693Glu (NM_001354901.2); and 6 more; short protein forms Q1469E, Q1592E, Q1626E, Q1651E, Q1661E, Q1693E, Q1711E, Q1724E.
Identifiers: ClinVar variation 1059798 (VCV001059798.11), dbSNP rs2149935832, ClinGen allele CA16032822.

ClinVar aggregate classification (germline): Uncertain significance. Review status: criteria provided, multiple submitters, no conflicts (2 of 4 stars). 2 submissions from 2 submitters: Uncertain significance (2). Last evaluated 2024-03-19.

Conditions:
Hereditary cancer-predisposing syndrome. Also called: Neoplastic Syndromes, Hereditary; Hereditary Cancer Syndrome; Hereditary neoplastic syndrome; Tumor predisposition. Identifiers: Orphanet 140162, MedGen C0027672, MeSH D009386, MONDO:0015356.
Familial adenomatous polyposis 1 (FAP1). Also called: FAMILIAL ADENOMATOUS POLYPOSIS 1, ATTENUATED; POLYPOSIS, ADENOMATOUS INTESTINAL. Identifiers: MedGen C2713442, MONDO:0021056, OMIM 175100. Disease mechanism: loss of function.

Submissions (2):

Labcorp Genetics (formerly Invitae), Labcorp
Classification: Uncertain significance for Familial adenomatous polyposis 1. Last evaluated: 2024-03-19. Review status: criteria provided, single submitter. Criteria: Invitae Variant Classification Sherloc (09022015). Collection method: clinical testing. Allele origin: germline.
Comment: This sequence change replaces glutamine, which is neutral and polar, with glutamic acid, which is acidic and polar, at codon 1752 of the APC protein (p.Gln1752Glu). This variant is not present in population databases (gnomAD no frequency). This variant has not been reported in the literature in individuals affected with APC-related conditions. ClinVar contains an entry for this variant (Variation ID: 1059798). Advanced modeling of protein sequence and biophysical properties (such as structural, functional, and spatial information, amino acid conservation, physicochemical variation, residue mobility, and thermodynamic stability) performed at Invitae indicates that this missense variant is not expected to disrupt APC protein function with a negative predictive value of 95%. In summary, the available evidence is currently insufficient to determine the role of this variant in disease. Therefore, it has been classified as a Variant of Uncertain Significance.

Ambry Genetics
Classification: Uncertain significance for Hereditary cancer-predisposing syndrome. Last evaluated: 2023-10-06. Review status: criteria provided, single submitter. Criteria: Ambry Variant Classification Scheme 2023. Collection method: clinical testing. Allele origin: germline.
Comment: The p.Q1752E variant (also known as c.5254C>G), located in coding exon 15 of the APC gene, results from a C to G substitution at nucleotide position 5254. The glutamine at codon 1752 is replaced by glutamic acid, an amino acid with highly similar properties. This amino acid position is well conserved in available vertebrate species. In addition, in silico predictors for this gene do not accurately predict pathogenicity. Since supporting evidence is limited at this time, the clinical significance of this alteration remains unclear.